The following is an entry in ClinVar:

ClinVar aggregate classification (germline): Conflicting classifications of pathogenicity. Review status: criteria provided, conflicting classifications (1 of 4 stars). 4 submissions from 4 submitters: Likely pathogenic (1); Uncertain significance (1). 2 of the submissions do not count toward it. Last evaluated 2023-09-11.

Conditions:
TRAF3IP1-related disorder. Also called: TRAF3IP1-related condition.
Jeune thoracic dystrophy. Also called: Jeune syndrome; Infantile thoracic dystrophy; Thoracic pelvic phalangeal dystrophy; Jeune's syndrome; Chondroectodermal dysplasia-like syndrome; Short-rib thoracic dysplasia. Identifiers: Orphanet 474, MedGen C0265275, MONDO:0018770.

Allele frequency attached by ClinVar (database versions not stated): TOPMed 0.00014.
gnomAD v4.1: 67 of 1,613,928 alleles (0.0042%); highest among the groups gnomAD compares: East Asian, 0.11%; 1 homozygote.

Submissions (4):

Blueprint Genetics
Classification: Likely pathogenic for TRAF3IP1-related disorders. Last evaluated: 2023-09-11. Review status: criteria provided, single submitter. Criteria: ACMG Guidelines, 2015. Collection method: clinical testing. Allele origin: germline. Affected: yes. Observed: 5 variant alleles.

Labcorp Genetics (formerly Invitae), Labcorp
Classification: Uncertain significance. Last evaluated: 2022-10-17. Review status: criteria provided, single submitter. Criteria: Invitae Variant Classification Sherloc (09022015). Collection method: clinical testing. Allele origin: germline.
Comment: This sequence change replaces serine, which is neutral and polar, with cysteine, which is neutral and slightly polar, at codon 453 of the TRAF3IP1 protein (p.Ser453Cys). This variant is present in population databases (rs146820102, gnomAD 0.3%). This missense change has been observed in individual(s) with asphyxiating thoracic dystrophy (PMID: 29068549). In at least one individual the data is consistent with being in trans (on the opposite chromosome) from a pathogenic variant. ClinVar contains an entry for this variant (Variation ID: 446658). Advanced modeling of protein sequence and biophysical properties (such as structural, functional, and spatial information, amino acid conservation, physicochemical variation, residue mobility, and thermodynamic stability) performed at Invitae indicates that this missense variant is not expected to disrupt TRAF3IP1 protein function. In summary, the available evidence is currently insufficient to determine the role of this variant in disease. Therefore, it has been classified as a Variant of Uncertain Significance.

Dan Cohn Lab, University Of California Los Angeles
Classification: Pathogenic for Asphyxiating thoracic dystrophy. Last evaluated: 2017-06-01. Review status: no assertion criteria provided. Collection method: research. Allele origin: paternal. Affected: yes. Not counted in ClinVar's aggregate classification.

University of Washington Center for Mendelian Genomics, University of Washington
Classification: Likely pathogenic for asphyxiating thoracic dystrophy. Review status: no assertion criteria provided. Collection method: research. Allele origin: inherited. Affected: yes. Not counted in ClinVar's aggregate classification.

Literature cited by the submitters: PubMed 29068549 (cited by 3 submitters).

NM_015650.4(IFT54):c.1358C>G (p.Ser453Cys)

Gene: IFT54 (intraflagellar transport 54; plus strand). Cytogenetic location: 2q37.3.
Variant type: single nucleotide variant.
Coding change: c.1358C>G on transcript NM_015650.4 (MANE Select); coding-DNA position 1358, C replaced by G.
Protein change: p.Ser453Cys; replaces serine 453 with cysteine.
Molecular consequence: missense variant.
Genome position (GRCh38, 1-based): chr2:238,348,839, C>G. VCF-style: chr2-238348839-C-G. GRCh37 (hg19) VCF-style: chr2-239257480-C-G.
Other names: c.1160C>G, p.Ser387Cys (NM_001139490.1); short protein forms S453C, S387C.
Identifiers: ClinVar variation 446658 (VCV000446658.9), dbSNP rs146820102, ClinGen allele CA2198416.